The following is an entry in ClinVar:

NM_001165963.4(SCN1A):c.5347G>A (p.Ala1783Thr)

Genes: SCN1A (sodium voltage-gated channel alpha subunit 1; minus strand), LOC102724058 (uncharacterized LOC102724058; plus strand). Cytogenetic location: 2q24.3.
Variant type: single nucleotide variant.
Coding change: c.5347G>A on transcript NM_001165963.4 (MANE Select); coding-DNA position 5347, G replaced by A.
Protein change: p.Ala1783Thr; replaces alanine 1783 with threonine.
Molecular consequence: missense variant. On other transcripts: non-coding transcript variant (1).
Genome position (GRCh38, 1-based): chr2:165,991,928, C>T on the plus strand (G>A on the coding strand, the complement: SCN1A is on the minus strand). VCF-style: chr2-165991928-C-T. GRCh37 (hg19) VCF-style: chr2-166848438-C-T.
Other names: p.A1783T:GCG>ACG; c.5263G>A, p.Ala1755Thr (NM_001165964.3, NM_001353957.2, NM_001353958.2); c.5347G>A, p.Ala1783Thr (NM_001202435.3, NM_001353948.2); c.5314G>A, p.Ala1772Thr (NM_001353949.2, NM_001353950.2, NM_001353951.2 and 2 more transcripts); c.5311G>A, p.Ala1771Thr (NM_001353954.2, NM_001353955.2); c.5260G>A, p.Ala1754Thr (NM_001353960.2); c.2905G>A, p.Ala969Thr (NM_001353961.2); c.5347G>A (NM_001165963.2); short protein forms A1772T, A1783T, A1755T, A1771T, A969T, A1754T.
Identifiers: ClinVar variation 68570 (VCV000068570.54), dbSNP rs121917980, ClinGen allele CA285021.

ClinVar aggregate classification (germline): Pathogenic. Review status: criteria provided, multiple submitters, no conflicts (2 of 4 stars). 10 submissions from 10 submitters: Pathogenic (9). 1 of the submissions does not count toward it. Last evaluated 2025-11-03.

Conditions:
Early-infantile DEE. Also called: Early infantile epileptic encephalopathy with suppression bursts; Ohtahara syndrome; Early infantile epileptic encephalopathy. Identifiers: Orphanet 1934, MedGen C0393706, MONDO:0800491.
Migraine, familial hemiplegic, 3. Identifiers: Orphanet 569, MedGen C1864987, MONDO:0012320, OMIM 609634.
Developmental and epileptic encephalopathy 6B. Also called: Developmental and epileptic encephalopathy 6B, non-Dravet. Identifiers: MedGen C5543353, MONDO:0030268, OMIM 619317.
Severe myoclonic epilepsy in infancy (DRVT). Also called: DEVELOPMENTAL AND EPILEPTIC ENCEPHALOPATHY 6A; Severe Myoclonic Epilepsy in Infancy (SMEI); Dravet syndrome; SEVERE MYOCLONIC EPILEPSY OF INFANCY; Epileptic encephalopathy, early infantile, 6 (Dravet syndrome). Identifiers: Orphanet 33069, MedGen C0751122, MONDO:0100135, OMIM 607208.
Generalized epilepsy with febrile seizures plus, type 2 (GEFSP2). Also called: GEFS+, TYPE 2. Identifiers: Orphanet 36387, MedGen C1858673, MONDO:0011461, OMIM 604403.

Submissions (10):

Labcorp Genetics (formerly Invitae), Labcorp
Classification: Pathogenic for Early-infantile DEE. Last evaluated: 2025-11-03. Review status: criteria provided, single submitter. Criteria: Invitae Variant Classification Sherloc (09022015). Collection method: clinical testing. Allele origin: germline.
Comment: This sequence change replaces alanine, which is neutral and non-polar, with threonine, which is neutral and polar, at codon 1783 of the SCN1A protein (p.Ala1783Thr). This variant is not present in population databases (gnomAD no frequency). This missense change has been observed in individual(s) with autosomal dominant severe myoclonic epilepsy of infancy and Dravet syndrome (PMID: 17347258, 30321769). In at least one individual the variant was observed to be de novo. This variant is also known as 5314G>A (Ala1772Thr). ClinVar contains an entry for this variant (Variation ID: 68570). Invitae Evidence Modeling of protein sequence and biophysical properties (such as structural, functional, and spatial information, amino acid conservation, physicochemical variation, residue mobility, and thermodynamic stability) indicates that this missense variant is expected to disrupt SCN1A protein function with a positive predictive value of 95%. For these reasons, this variant has been classified as Pathogenic.

3billion
Classification: Pathogenic for Severe myoclonic epilepsy in infancy. Last evaluated: 2022-09-01. Review status: criteria provided, single submitter. Criteria: ACMG Guidelines, 2015. Collection method: clinical testing. Allele origin: germline. Affected: yes. Observed: 1 heterozygote.
Comment: The variant is not observed in the gnomAD v2.1.1 dataset. Missense changes are a common disease-causing mechanism. In silico tool predictions suggest damaging effect of the variant on gene or gene product (REVEL: 0.95; 3Cnet: 1.00). Same nucleotide change resulting in same amino acid change has been previously reported as pathogenic/likely pathogenic with strong evidence (ClinVar ID: VCV000068570). A different missense change at the same codon (p.Ala1783Val) has been reported as pathogenic/likely pathogenic with strong evidence (ClinVar ID: VCV000068571). Therefore, this variant is classified as Pathogenic according to the recommendation of ACMG/AMP guideline.

Dasa
Classification: Pathogenic for Generalized epilepsy with febrile seizures plus, type 2. Last evaluated: 2022-03-05. Review status: criteria provided, single submitter. Criteria: ACMG Guidelines, 2015. Collection method: clinical testing. Allele origin: germline. Affected: yes. Observed: 1 variant allele.
Comment: The c.5347G>A;p.(Ala1783Thr) missense variant has been observed in affected individual(s) and ClinVar contains an entry for this variant (ClinVar ID: 68570; PMID: 30321769; PMID: 26096185; PMID: 17347258; PMID: 22071555; PMID: 19589774) - PS4. The variant is located in a mutational hot spot and/or critical and well-established functional domain (Ion_trans;PKD_channel) - PM1. This variant is not present in population databases (rs121917980- gnomAD; ABraOM no frequency) - PM2. Pathogenic missense variant in this residue have been reported (ClinVar ID: 68571) - PM5. The variant was assumed de novo, but without confirmation of paternity and maternity (PMID: 17347258) - PM6. The variant co-segregated with disease in multiple affected family members (PMID: 26096185) - PP1. Multiple lines of computational evidence support a deleterious effect on the gene or gene product - PP3. In summary, the currently available evidence indicates that the variant is pathogenic.

Institute of Human Genetics Munich, TUM University Hospital
Classification: Pathogenic for Developmental and epileptic encephalopathy 6B. Last evaluated: 2022-01-28. Review status: criteria provided, single submitter. Criteria: Classification criteria August 2017. Collection method: clinical testing. Allele origin: germline. Inheritance: Autosomal dominant inheritance. Affected: yes. Observed: 1 variant allele.

Fulgent Genetics
Classification: Pathogenic for Generalized epilepsy with febrile seizures plus, type 2; Severe myoclonic epilepsy in infancy; Migraine, familial hemiplegic, 3; Developmental and epileptic encephalopathy 6B. Last evaluated: 2021-07-01. Review status: criteria provided, single submitter. Criteria: ACMG Guidelines, 2015. Collection method: clinical testing. Allele origin: unknown.

CeGaT Center for Human Genetics Tuebingen
Classification: Pathogenic. Last evaluated: 2021-05-01. Review status: criteria provided, single submitter. Criteria: CeGaT Center For Human Genetics Tuebingen Variant Classification Criteria Version 2. Collection method: clinical testing. Allele origin: germline. Affected: yes. Observed: 3 variant alleles.

Unidad de Genómica Garrahan, Hospital de Pediatría Garrahan
Classification: Pathogenic for Severe myoclonic epilepsy in infancy. Last evaluated: 2018-10-31. Review status: criteria provided, single submitter. Criteria: ACMG Guidelines, 2015. Collection method: clinical testing. Allele origin: de novo. Affected: yes. Observed: 1 variant allele.
Comment: p.Ala1783Thr (GCG>ACG): c.5347 G>A in exon 26 of the SCN1A gene (NM_001165963.1). It involves a change of Guanine for Adenine at position 5347 of the coding DNA, which is located in exon 26 of the gene and generates a change from Alanine to Threonine (p .Ala1783Thr) at the protein level. This variant was described in 2007 by Harkin et al (Brain. 2007 Mar; 130 (Pt 3): 843-5) associated with Dravet syndrome and it is reported as pathogenic in the following databases: i) HGMD, ii) Ensembl, iii) ClinVar. According to the ACMG criteria, the variant was classified as pathogenic (PS2, PS3, PM1, PM2, PP2, PP3, PP4, PP5).

GeneDx
Classification: Pathogenic. Last evaluated: 2017-08-17. Review status: criteria provided, single submitter. Criteria: GeneDx Variant Classification (06012015). Collection method: clinical testing. Allele origin: germline. Affected: yes.
Comment: p.Ala1783Thr (GCG>ACG): c.5347 G>A in exon 26 of the SCN1A gene (NM_001165963.1) The A1783T missense mutation in the SCN1A gene has been reported previously as a de novo mutation in association with Dravet syndrome and other SCN1A-related disorders (for examples, see Harkin et al., 2007; Sun et al., 2010; Heron et al., 2010). This mutation alters a highly conserved position predicted to be within the transmembrane segment S6 of the fourth homologous domain of the SCN1A protein, and another missense mutation at the same codon (A1783V) has also been published in association with SCN1A-related disorders in an external mutation database. The A1783T substitution is a non-conservative amino acid substitution, which is likely to impact secondary protein structure as these residues differ in polarity, charge, size and/or other properties. The variant is found in EPILEPSY,CHILD-EPI panel(s).

Center for Bioinformatics, Peking University
Classification: Pathogenic for Dravet syndrome. Last evaluated: 2014-12-20. Review status: criteria provided, single submitter. Criteria: Xu et al. (Hum Mutat. 2015). Collection method: research. Allele origin: de novo. Affected: yes. Observed: 4 variant alleles. Study: University Clinical Cooperation “985 Project” PKU-2014-1-1.
Comment: Dravet syndrome (DS) probands were recruited from the outpatient and inpatient child neurology units of Peking University First Hospital from 2005 till present. The study was approved by the Ethics Committee of Peking University First Hospital and the Institutional Review Board at Peking University. Participants or their parents provided written informed consent before enrollment. We collected a total of 267 mutations from 255 families with probands diagnosed with DS in China. All probands fulfilled the clinical diagnostic criteria.

UniProtKB/Swiss-Prot
No classification provided. Condition: Severe myoclonic epilepsy in infancy. Review status: no classification provided. Collection method: not provided. Allele origin: unknown. Not counted in ClinVar's aggregate classification.

Literature cited by the submitters: PubMed 17347258 (cited by Labcorp Genetics (formerly Invitae), Labcorp and Dasa); PubMed 30321769 (cited by Labcorp Genetics (formerly Invitae), Labcorp and Dasa); PubMed 26096185 (cited by Dasa); PubMed 22071555 (cited by Dasa); PubMed 19589774 (cited by Dasa).